The following is an entry in ClinVar:

ClinVar aggregate classification (germline): Pathogenic (1 of 4 stars; one submission).

Submission:

Labcorp Genetics (formerly Invitae), Labcorp
Classification: Pathogenic. Last evaluated: 2023-06-02. Review status: criteria provided, single submitter. Criteria: Invitae Variant Classification Sherloc (09022015). Collection method: clinical testing. Allele origin: germline.
Comment: This variant has not been reported in the literature in individuals affected with OTOF-related conditions. This variant is not present in population databases (gnomAD no frequency). ClinVar contains an entry for this variant (Variation ID: 632357). For these reasons, this variant has been classified as Pathogenic. This sequence change creates a premature translational stop signal (p.Tyr1793*) in the OTOF gene. It is expected to result in an absent or disrupted protein product. Loss-of-function variants in OTOF are known to be pathogenic (PMID: 18381613, 19250381, 22575033).

Literature cited by the submitters: PubMed 18381613; PubMed 19250381; PubMed 22575033.

NM_194248.3(OTOF):c.5379C>G (p.Tyr1793Ter)

Gene: OTOF (otoferlin; minus strand). Cytogenetic location: 2p23.3.
Variant type: single nucleotide variant.
Coding change: c.5379C>G on transcript NM_194248.3 (MANE Select); coding-DNA position 5379, C replaced by G.
Protein change: p.Tyr1793Ter; replaces tyrosine 1793 with a stop codon.
Molecular consequence: nonsense.
Genome position (GRCh38, 1-based): chr2:26,461,850, G>C on the plus strand (C>G on the coding strand, the complement: OTOF is on the minus strand). VCF-style: chr2-26461850-G-C. GRCh37 (hg19) VCF-style: chr2-26684718-G-C.
Other names: c.5379C>G, p.Tyr1793Ter (NM_001287489.2); c.3078C>G, p.Tyr1026Ter (NM_004802.4, NM_194323.3); c.3309C>G, p.Tyr1103Ter (NM_194322.3); short protein forms Y1793*, Y1103*, Y1026*.
Identifiers: ClinVar variation 632357 (VCV000632357.7), dbSNP rs1558466620, ClinGen allele CA346131576.